The following is an entry in ClinVar:

NM_000053.4(ATP7B):c.2435A>G (p.Asn812Ser)

Gene: ATP7B (ATPase copper transporting beta; minus strand). Cytogenetic location: 13q14.3.
Variant type: single nucleotide variant.
Coding change: c.2435A>G on transcript NM_000053.4 (MANE Select); coding-DNA position 2435, A replaced by G.
Protein change: p.Asn812Ser; replaces asparagine 812 with serine.
Molecular consequence: missense variant.
Genome position (GRCh38, 1-based): chr13:51,957,528, T>C on the plus strand (A>G on the coding strand, the complement: ATP7B is on the minus strand). VCF-style: chr13-51957528-T-C. GRCh37 (hg19) VCF-style: chr13-52531664-T-C.
Other names: c.1949A>G, p.Asn650Ser (NM_001005918.3, NM_001406541.1, NM_001406542.1 and 1 more transcripts); c.2102A>G, p.Asn701Ser (NM_001243182.2); c.2201A>G, p.Asn734Ser (NM_001330578.2, NM_001406534.1, NM_001406538.1 and 2 more transcripts); c.2183A>G, p.Asn728Ser (NM_001330579.2, NM_001406531.1, NM_001406532.1 and 1 more transcripts); c.2435A>G, p.Asn812Ser (NM_001406511.1, NM_001406512.1, NM_001406513.1 and 7 more transcripts); c.2402A>G, p.Asn801Ser (NM_001406514.1); c.2339A>G, p.Asn780Ser (NM_001406517.1, NM_001406518.1); c.2105A>G, p.Asn702Ser (NM_001406536.1); and 7 more; short protein forms N618S, N701S, N696S, N702S, N764S, N780S, N801S, N650S.
Identifiers: ClinVar variation 2158688 (VCV002158688.3), dbSNP rs746273315, ClinGen allele CA6989028.

ClinVar aggregate classification (germline): Uncertain significance. Review status: criteria provided, multiple submitters, no conflicts (2 of 4 stars). 3 submissions from 3 submitters: Uncertain significance (3). Last evaluated 2024-06-07.

Conditions:
Wilson disease (WND). Also called: Wilson's disease. Identifiers: Orphanet 905, MedGen C0019202, MONDO:0010200, OMIM 277900. Disease mechanism: loss of function.

Allele frequency attached by ClinVar (database versions not stated): ExAC 0.00001; gnomAD exomes 0.00001; gnomAD 0.00002; TOPMed 0.00002.

Submissions (3):

Fulgent Genetics
Classification: Uncertain significance for Wilson disease. Last evaluated: 2024-06-07. Review status: criteria provided, single submitter. Criteria: ACMG Guidelines, 2015. Collection method: clinical testing. Allele origin: germline.

Color Diagnostics, LLC DBA Color Health
Classification: Uncertain significance for Wilson disease. Last evaluated: 2023-05-24. Review status: criteria provided, single submitter. Criteria: ACMG Guidelines, 2015. Collection method: clinical testing. Allele origin: germline.
Comment: This missense variant replaces asparagine with serine at codon 812 of the ATP7B protein. Computational prediction suggests that this variant may not impact protein structure and function. To our knowledge, functional studies have not been reported for this variant. This variant has not been reported in individuals affected with ATP7B-related disorders in the literature. This variant has been identified in 4/280996 chromosomes in the general population by the Genome Aggregation Database (gnomAD). The available evidence is insufficient to determine the role of this variant in disease conclusively. Therefore, this variant is classified as a Variant of Uncertain Significance.

Labcorp Genetics (formerly Invitae), Labcorp
Classification: Uncertain significance for Wilson disease. Last evaluated: 2022-08-06. Review status: criteria provided, single submitter. Criteria: Invitae Variant Classification Sherloc (09022015). Collection method: clinical testing. Allele origin: germline.
Comment: This sequence change replaces asparagine, which is neutral and polar, with serine, which is neutral and polar, at codon 812 of the ATP7B protein (p.Asn812Ser). This variant is present in population databases (rs746273315, gnomAD 0.01%). This variant has not been reported in the literature in individuals affected with ATP7B-related conditions. Advanced modeling of protein sequence and biophysical properties (such as structural, functional, and spatial information, amino acid conservation, physicochemical variation, residue mobility, and thermodynamic stability) performed at Invitae indicates that this missense variant is not expected to disrupt ATP7B protein function. In summary, the available evidence is currently insufficient to determine the role of this variant in disease. Therefore, it has been classified as a Variant of Uncertain Significance.